The following is an entry in ClinVar:

NM_138927.4(SON):c.2308T>A (p.Ser770Thr)

Gene: SON (SON DNA and RNA binding protein; plus strand). Cytogenetic location: 21q22.11.
Variant type: single nucleotide variant.
Coding change: c.2308T>A on transcript NM_138927.4 (MANE Select); coding-DNA position 2308, T replaced by A.
Protein change: p.Ser770Thr; replaces serine 770 with threonine.
Molecular consequence: missense variant. On other transcripts: non-coding transcript variant (1), intron variant (1).
Genome position (GRCh38, 1-based): chr21:33,551,539, T>A. VCF-style: chr21-33551539-T-A. GRCh37 (hg19) VCF-style: chr21-34923845-T-A.
Other names: c.2308T>A, p.Ser770Thr (NM_001291411.2, NM_001412133.1, NM_032195.3 and 2 more transcripts); c.244+5160T>A (NM_001291412.3); short protein forms S770T.
Identifiers: ClinVar variation 2111877 (VCV002111877.1), dbSNP rs745776783, ClinGen allele CA10009083.

ClinVar aggregate classification (germline): Uncertain significance (1 of 4 stars; one submission).

Allele frequency attached by ClinVar (database versions not stated): ExAC 0.00006.

Submission:

Labcorp Genetics (formerly Invitae), Labcorp
Classification: Uncertain significance. Last evaluated: 2022-10-11. Review status: criteria provided, single submitter. Criteria: Invitae Variant Classification Sherloc (09022015). Collection method: clinical testing. Allele origin: germline.
Comment: This sequence change replaces serine, which is neutral and polar, with threonine, which is neutral and polar, at codon 770 of the SON protein (p.Ser770Thr). This variant is not present in population databases (gnomAD no frequency). This variant has not been reported in the literature in individuals affected with SON-related conditions. Algorithms developed to predict the effect of missense changes on protein structure and function output the following: SIFT: "Tolerated"; PolyPhen-2: "Benign"; Align-GVGD: "Class C0". The threonine amino acid residue is found in multiple mammalian species, which suggests that this missense change does not adversely affect protein function. In summary, the available evidence is currently insufficient to determine the role of this variant in disease. Therefore, it has been classified as a Variant of Uncertain Significance.